The following is an entry in ClinVar:

NM_024105.4(ALG12):c.51G>C (p.Leu17=)

Gene: ALG12 (ALG12 alpha-1,6-mannosyltransferase; minus strand). Cytogenetic location: 22q13.33.
Variant type: single nucleotide variant.
Coding change: c.51G>C on transcript NM_024105.4 (MANE Select); coding-DNA position 51, G replaced by C.
Protein change: p.Leu17=; no amino-acid change (leucine 17 retained).
Molecular consequence: synonymous variant.
Genome position (GRCh38, 1-based): chr22:49,913,715, C>G on the plus strand (G>C on the coding strand, the complement: ALG12 is on the minus strand). VCF-style: chr22-49913715-C-G. GRCh37 (hg19) VCF-style: chr22-50307363-C-G.
Identifiers: ClinVar variation 2653353 (VCV002653353.26), dbSNP rs765238746, ClinGen allele CA10300746.

ClinVar aggregate classification (germline): Likely benign. Review status: criteria provided, multiple submitters, no conflicts (2 of 4 stars). 2 submissions from 2 submitters: Likely benign (2). Last evaluated 2024-04-29.

Conditions:
ALG12-congenital disorder of glycosylation (CDG1G). Also called: CDG Ig; ALG12-CDG; Congenital disorder of glycosylation, type Ig. Identifiers: Orphanet 79324, MedGen C2931001, MONDO:0011783, OMIM 607143.

Allele frequency attached by ClinVar (database versions not stated): ExAC 0.00001; TOPMed 0.00002; gnomAD 0.00003; gnomAD exomes 0.00003.
gnomAD v4.1: 42 of 1,613,222 alleles (0.0026%); highest among the groups gnomAD compares: Non-Finnish European, 0.0036%; no homozygotes.

Submissions (2):

Labcorp Genetics (formerly Invitae), Labcorp
Classification: Likely benign for ALG12-congenital disorder of glycosylation. Last evaluated: 2024-04-29. Review status: criteria provided, single submitter. Criteria: Invitae Variant Classification Sherloc (09022015). Collection method: clinical testing. Allele origin: germline.

CeGaT Center for Human Genetics Tuebingen
Classification: Likely benign. Last evaluated: 2023-02-01. Review status: criteria provided, single submitter. Criteria: CeGaT Center For Human Genetics Tuebingen Variant Classification Criteria Version 2. Collection method: clinical testing. Allele origin: germline. Affected: yes. Observed: 1 variant allele.
Comment: ALG12: BP4, BP7